The following is an entry in ClinVar:

ClinVar aggregate classification (germline): Benign. Review status: criteria provided, multiple submitters, no conflicts (2 of 4 stars). 2 submissions from 2 submitters: Benign (2). Last evaluated 2018-06-20.

Allele frequency attached by ClinVar (database versions not stated): 1000 Genomes Project 0.30691; 1000 Genomes Project 30x 0.31106; ESP Exome Variant Server 0.31271; TOPMed 0.31681; gnomAD 0.31710 and 0.31879; gnomAD exomes 0.31744 and 0.32278; ExAC 0.33511.
gnomAD v4.1: 445,954 of 1,406,024 alleles (32%); highest among the groups gnomAD compares: South Asian, 39%; 72,118 homozygotes.

Submissions (2):

GeneDx
Classification: Benign. Last evaluated: 2018-06-20. Review status: criteria provided, single submitter. Criteria: GeneDx Variant Classification (06012015). Collection method: clinical testing. Allele origin: germline. Affected: yes.
Comment: This variant is considered likely benign or benign based on one or more of the following criteria: it is a conservative change, it occurs at a poorly conserved position in the protein, it is predicted to be benign by multiple in silico algorithms, and/or has population frequency not consistent with disease.

Breakthrough Genomics
Classification: Benign. Review status: criteria provided, single submitter. Criteria: ACMG Guidelines, 2015. Collection method: not provided. Allele origin: germline. Inheritance: Autosomal dominant inheritance. Affected: yes.

NM_015450.3(POT1):c.870-33A>G

Gene: POT1 (protection of telomeres 1; minus strand). Cytogenetic location: 7q31.33.
Variant type: single nucleotide variant.
Coding change: c.870-33A>G on transcript NM_015450.3 (MANE Select); 33 bases into the intron before coding-DNA position 870, A replaced by G.
Molecular consequence: intron variant.
Genome position (GRCh38, 1-based): chr7:124,851,984, T>C on the plus strand (A>G on the coding strand, the complement: POT1 is on the minus strand). VCF-style: chr7-124851984-T-C. GRCh37 (hg19) VCF-style: chr7-124492038-T-C.
Other names: c.477-33A>G (NM_001042594.2).
Identifiers: ClinVar variation 677012 (VCV000677012.2), dbSNP rs7784168, ClinGen allele CA4465327.